The following is an entry in ClinVar:

NM_006393.3(NEBL):c.976C>T (p.His326Tyr)

Gene: NEBL (nebulette; minus strand). Cytogenetic location: 10p12.31.
Variant type: single nucleotide variant.
Coding change: c.976C>T on transcript NM_006393.3 (MANE Select); coding-DNA position 976, C replaced by T.
Protein change: p.His326Tyr; replaces histidine 326 with tyrosine.
Molecular consequence: missense variant. On other transcripts: intron variant (9).
Genome position (GRCh38, 1-based): chr10:20,852,577, G>A on the plus strand (C>T on the coding strand, the complement: NEBL is on the minus strand). VCF-style: chr10-20852577-G-A. GRCh37 (hg19) VCF-style: chr10-21141506-G-A.
Other names: c.250-39637C>T (NM_001377326.1, NM_001377327.1, NM_001377328.1); c.358-39637C>T (NM_213569.2, NM_001173484.2, NM_001377322.1); c.301-39637C>T (NM_001377324.1); c.292-39637C>T (NM_001377325.1); c.310-39637C>T (NM_001377323.1); short protein forms H326Y.
Identifiers: ClinVar variation 835795 (VCV000835795.10), dbSNP rs1232048555, ClinGen allele CA376100569.

ClinVar aggregate classification (germline): Uncertain significance (1 of 4 stars; one submission).

Conditions:
Primary dilated cardiomyopathy (DCM). Also called: Dilated Cardiomyopathy. Identifiers: Orphanet 217604, MedGen C0007193, MeSH D002311, MONDO:0005021, HP:0001644. Inheritance: Various modes of inheritance.

Allele frequency attached by ClinVar (database versions not stated): gnomAD exomes below 0.00001; TOPMed below 0.00001.
gnomAD v4.1: 7 of 1,613,676 alleles (0.00043%); highest among the groups gnomAD compares: Non-Finnish European, 0.00051%; no homozygotes.

Submission:

Labcorp Genetics (formerly Invitae), Labcorp
Classification: Uncertain significance for Primary dilated cardiomyopathy. Last evaluated: 2022-03-23. Review status: criteria provided, single submitter. Criteria: Invitae Variant Classification Sherloc (09022015). Collection method: clinical testing. Allele origin: germline.
Comment: ClinVar contains an entry for this variant (Variation ID: 835795). This variant has not been reported in the literature in individuals affected with NEBL-related conditions. This variant is not present in population databases (gnomAD no frequency). This sequence change replaces histidine, which is basic and polar, with tyrosine, which is neutral and polar, at codon 326 of the NEBL protein (p.His326Tyr). Algorithms developed to predict the effect of missense changes on protein structure and function are either unavailable or do not agree on the potential impact of this missense change (SIFT: "Deleterious"; PolyPhen-2: "Probably Damaging"; Align-GVGD: "Class C0"). In summary, the available evidence is currently insufficient to determine the role of this variant in disease. Therefore, it has been classified as a Variant of Uncertain Significance.